The following is an entry in ClinVar:

ClinVar aggregate classification (germline): Uncertain significance. Review status: criteria provided, multiple submitters, no conflicts (2 of 4 stars). 2 submissions from 2 submitters: Uncertain significance (2). Last evaluated 2025-11-24.

Conditions:
Tumor predisposition syndrome 3 (TPDS3). Also called: Melanoma, cutaneous malignant, susceptibility to, 10; Glioma susceptibility 9; LONG TELOMERE SYNDROME, POT1-RELATED; POT1 Tumor Predisposition. Identifiers: Orphanet 618, MedGen C4014476, MONDO:0014368, OMIM 615848.
Hereditary cancer-predisposing syndrome. Also called: Tumor predisposition; Neoplastic Syndromes, Hereditary; Hereditary Cancer Syndrome; Hereditary neoplastic syndrome. Identifiers: Orphanet 140162, MedGen C0027672, MeSH D009386, MONDO:0015356.

Submissions (2):

Ambry Genetics
Classification: Uncertain significance for Hereditary cancer-predisposing syndrome. Last evaluated: 2025-11-24. Review status: criteria provided, single submitter. Criteria: Ambry Variant Classification Scheme 2023. Collection method: clinical testing. Allele origin: germline.
Comment: The p.N516D variant (also known as c.1546A>G), located in coding exon 12 of the POT1 gene, results from an A to G substitution at nucleotide position 1546. The asparagine at codon 516 is replaced by aspartic acid, an amino acid with highly similar properties. This amino acid position is conserved. In addition, this alteration is predicted to be tolerated by in silico analysis. Since supporting evidence is limited at this time, the clinical significance of this alteration remains unclear.

Labcorp Genetics (formerly Invitae), Labcorp
Classification: Uncertain significance for Tumor predisposition syndrome 3. Last evaluated: 2022-11-23. Review status: criteria provided, single submitter. Criteria: Invitae Variant Classification Sherloc (09022015). Collection method: clinical testing. Allele origin: germline.
Comment: This sequence change replaces asparagine, which is neutral and polar, with aspartic acid, which is acidic and polar, at codon 516 of the POT1 protein (p.Asn516Asp). This variant is not present in population databases (gnomAD no frequency). This variant has not been reported in the literature in individuals affected with POT1-related conditions. ClinVar contains an entry for this variant (Variation ID: 664914). In summary, the available evidence is currently insufficient to determine the role of this variant in disease. Therefore, it has been classified as a Variant of Uncertain Significance. Advanced modeling of protein sequence and biophysical properties (such as structural, functional, and spatial information, amino acid conservation, physicochemical variation, residue mobility, and thermodynamic stability) performed at Invitae indicates that this missense variant is not expected to disrupt POT1 protein function.

NM_015450.3(POT1):c.1546A>G (p.Asn516Asp)

Gene: POT1 (protection of telomeres 1; minus strand). Cytogenetic location: 7q31.33.
Variant type: single nucleotide variant.
Coding change: c.1546A>G on transcript NM_015450.3 (MANE Select); coding-DNA position 1546, A replaced by G.
Protein change: p.Asn516Asp; replaces asparagine 516 with aspartic acid.
Molecular consequence: missense variant. On other transcripts: non-coding transcript variant (2).
Genome position (GRCh38, 1-based): chr7:124,829,302, T>C on the plus strand (A>G on the coding strand, the complement: POT1 is on the minus strand). VCF-style: chr7-124829302-T-C. GRCh37 (hg19) VCF-style: chr7-124469356-T-C.
Other names: c.1153A>G, p.Asn385Asp (NM_001042594.2); short protein forms N385D, N516D.
Identifiers: ClinVar variation 664914 (VCV000664914.13), dbSNP rs1584749194, ClinGen allele CA369064520.